The following is an entry in ClinVar:

ClinVar aggregate classification (germline): Uncertain significance (1 of 4 stars; one submission).

Submission:

Labcorp Genetics (formerly Invitae), Labcorp
Classification: Uncertain significance. Last evaluated: 2023-11-13. Review status: criteria provided, single submitter. Criteria: Invitae Variant Classification Sherloc (09022015). Collection method: clinical testing. Allele origin: germline.
Comment: This sequence change replaces threonine, which is neutral and polar, with arginine, which is basic and polar, at codon 157 of the STAT4 protein (p.Thr157Arg). This variant is not present in population databases (gnomAD no frequency). This variant has not been reported in the literature in individuals affected with STAT4-related conditions. Advanced modeling of protein sequence and biophysical properties (such as structural, functional, and spatial information, amino acid conservation, physicochemical variation, residue mobility, and thermodynamic stability) performed at Invitae indicates that this missense variant is not expected to disrupt STAT4 protein function with a negative predictive value of 80%. In summary, the available evidence is currently insufficient to determine the role of this variant in disease. Therefore, it has been classified as a Variant of Uncertain Significance.

NM_003151.4(STAT4):c.470C>G (p.Thr157Arg)

Gene: STAT4 (signal transducer and activator of transcription 4; minus strand). Cytogenetic location: 2q32.2.
Variant type: single nucleotide variant.
Coding change: c.470C>G on transcript NM_003151.4 (MANE Select); coding-DNA position 470, C replaced by G.
Protein change: p.Thr157Arg; replaces threonine 157 with arginine.
Molecular consequence: missense variant.
Genome position (GRCh38, 1-based): chr2:191,069,767, G>C on the plus strand (C>G on the coding strand, the complement: STAT4 is on the minus strand). VCF-style: chr2-191069767-G-C. GRCh37 (hg19) VCF-style: chr2-191934493-G-C.
Other names: c.470C>G, p.Thr157Arg (NM_001243835.2); short protein forms T157R.
Identifiers: ClinVar variation 2695509 (VCV002695509.3), dbSNP rs2470788035, ClinGen allele CA349918902.